The following is an entry in ClinVar:

NM_000744.7(CHRNA4):c.1495G>A (p.Ala499Thr)

Gene: CHRNA4 (cholinergic receptor nicotinic alpha 4 subunit; minus strand). Cytogenetic location: 20q13.33.
Variant type: single nucleotide variant.
Coding change: c.1495G>A on transcript NM_000744.7 (MANE Select); coding-DNA position 1495, G replaced by A.
Protein change: p.Ala499Thr; replaces alanine 499 with threonine.
Molecular consequence: missense variant. On other transcripts: non-coding transcript variant (1).
Genome position (GRCh38, 1-based): chr20:63,349,916, C>T on the plus strand (G>A on the coding strand, the complement: CHRNA4 is on the minus strand). VCF-style: chr20-63349916-C-T. GRCh37 (hg19) VCF-style: chr20-61981268-C-T.
Other names: c.1495G>A (NM_000744.5); c.967G>A, p.Ala323Thr (NM_001256573.2); short protein forms A499T, A323T.
Identifiers: ClinVar variation 287521 (VCV000287521.19), dbSNP rs150336658, ClinGen allele CA9957586.

ClinVar aggregate classification (germline): Conflicting classifications of pathogenicity. Review status: criteria provided, conflicting classifications (1 of 4 stars). 5 submissions from 5 submitters: Uncertain significance (3); Likely benign (2). Last evaluated 2025-05-07.

Conditions:
Familial sleep-related hypermotor epilepsy. Also called: Autosomal Dominant Sleep-Related Hypermotor (Hyperkinetic) Epilepsy. Identifiers: Orphanet 98784, MedGen C3696898, MONDO:0000030.
Inborn genetic diseases. Identifiers: MedGen C0950123, MeSH D030342.
Autosomal dominant nocturnal frontal lobe epilepsy 1. Also called: EPILEPSY, NOCTURNAL FRONTAL LOBE, TYPE 1; CHRNA4-Related Nocturnal Frontal Lobe Epilepsy, Autosomal Dominant. Identifiers: Orphanet 98784, MedGen C1838049, MONDO:0010899, OMIM 600513.

Allele frequency attached by ClinVar (database versions not stated): gnomAD 0.00001; gnomAD exomes 0.00003; ESP Exome Variant Server 0.00015; ExAC 0.00002; TOPMed 0.00004.
gnomAD v4.1: 55 of 1,593,490 alleles (0.0035%); highest among the groups gnomAD compares: Middle Eastern, 0.034%; no homozygotes.

Submissions (5):

Labcorp Genetics (formerly Invitae), Labcorp
Classification: Likely benign. Last evaluated: 2025-05-07. Review status: criteria provided, single submitter. Criteria: Invitae Variant Classification Sherloc (09022015). Collection method: clinical testing. Allele origin: germline.

Ambry Genetics
Classification: Likely benign for Inborn genetic diseases. Last evaluated: 2022-07-26. Review status: criteria provided, single submitter. Criteria: Ambry Variant Classification Scheme 2023. Collection method: clinical testing. Allele origin: germline.

GeneDx
Classification: Uncertain significance. Last evaluated: 2019-03-13. Review status: criteria provided, single submitter. Criteria: GeneDx Variant Classification Process June 2021. Collection method: clinical testing. Allele origin: germline. Affected: yes.
Comment: Not observed in large population cohorts (Lek et al., 2016); In silico analysis, which includes protein predictors and evolutionary conservation, supports that this variant does not alter protein structure/function; Has not been previously published as pathogenic or benign to our knowledge

Baylor Genetics
Classification: Uncertain significance for Autosomal dominant nocturnal frontal lobe epilepsy 1. Last evaluated: 2018-02-01. Review status: criteria provided, single submitter. Criteria: ACMG Guidelines, 2015. Collection method: clinical testing. Allele origin: maternal. Affected: yes.
Comment: This variant was determined to be of uncertain significance according to ACMG Guidelines, 2015 [PMID:25741868].

Eurofins Ntd Llc (ga)
Classification: Uncertain significance. Last evaluated: 2016-04-19. Review status: criteria provided, single submitter. Criteria: EGL Classification Definitions 2015. Collection method: clinical testing. Allele origin: germline. Observed: 1 variant allele, 1 heterozygote.